The following is an entry in ClinVar:

ClinVar aggregate classification (germline): Likely pathogenic (1 of 4 stars; one submission).

Conditions:
Spermatogenic failure 19. Identifiers: MedGen C4539818, MONDO:0054723, OMIM 617592.

Submission:

First Genomix Gene Laboratory, Genetic Diagnostics Department
Classification: Likely pathogenic for Spermatogenic failure 19. Last evaluated: 2025-09-24. Review status: criteria provided, single submitter. Criteria: ACMG Guidelines, 2015. Collection method: clinical testing. Allele origin: germline. Inheritance: Autosomal recessive inheritance. Affected: no. Observed: 1 variant allele.

NM_025145.7(CFAP43):c.1217_1220del (p.Leu406fs)

Gene: CFAP43 (cilia and flagella associated protein 43; minus strand). Cytogenetic location: 10q25.1.
Variant type: Deletion.
Coding change: c.1217_1220del on transcript NM_025145.7 (MANE Select); coding-DNA positions 1217 to 1220, 4 bases deleted (TTAC; older notation c.1217_1220delTTAC).
Protein change: p.Leu406fs; shifts the reading frame from leucine 406.
Molecular consequence: frameshift variant.
Genome position (GRCh38, 1-based): chr10:104,196,926-104,196,929, GTAA deleted on the plus strand (TTAC on the coding strand, the reverse complement: CFAP43 is on the minus strand); deleting any 4 consecutive bases within chr10:104,196,926-104,196,931 gives the same sequence; the c. name uses the placement nearest the transcript's 3' end. VCF-style (leftmost placement, unchanged base first): chr10-104196925-TGTAA-T. GRCh37 (hg19) VCF-style: chr10-105956683-TGTAA-T.
Other names: short protein forms L406fs.
Identifiers: ClinVar variation 4850457 (VCV004850457.1).